The following is an entry in ClinVar:

ClinVar aggregate classification (germline): Uncertain significance. Review status: criteria provided, multiple submitters, no conflicts (2 of 4 stars). 3 submissions from 3 submitters: Uncertain significance (2). 1 of the submissions does not count toward it. Last evaluated 2025-09-08.

Conditions:
Carney-Stratakis syndrome. Also called: PARAGANGLIOMA AND GASTROINTESTINAL STROMAL TUMOR. Identifiers: Orphanet 97286, MedGen C1847319, MONDO:0011740, OMIM 606864.
Pheochromocytoma. Also called: MAX-Related Hereditary Paraganglioma-Pheochromocytoma Syndrome. Identifiers: Orphanet 29072, MedGen C0031511, MONDO:0008233, OMIM 171300, HP:0002666.
Paragangliomas with sensorineural hearing loss. Identifiers: MedGen C1868633.
Cowden syndrome 3 (CWS3). Identifiers: Orphanet 201, MedGen CN166604, MONDO:0014045.
Hereditary cancer-predisposing syndrome. Also called: Tumor predisposition; Hereditary neoplastic syndrome; Neoplastic Syndromes, Hereditary; Hereditary Cancer Syndrome. Identifiers: Orphanet 140162, MedGen C0027672, MeSH D009386, MONDO:0015356.

Allele frequency attached by ClinVar (database versions not stated): TOPMed below 0.00001.

Submissions (3):

Ambry Genetics
Classification: Uncertain significance for Hereditary cancer-predisposing syndrome. Last evaluated: 2025-09-08. Review status: criteria provided, single submitter. Criteria: Ambry Variant Classification Scheme 2023. Collection method: clinical testing. Allele origin: germline.
Comment: The c.480A>G variant (also known as p.*160Wext*3), located in coding exon 4 of the SDHD gene, results from an A to G substitution at nucleotide position 480. This alteration disrupts the stop codon and is predicted to preserve the native sequence while resulting in the elongation of the protein by 3 amino acids. The exact functional effect of the additional amino acids is unknown. Based on the available evidence, the clinical significance of this variant remains unclear.

Labcorp Genetics (formerly Invitae), Labcorp
Classification: Uncertain significance for Carney-Stratakis syndrome; Paragangliomas with sensorineural hearing loss; Pheochromocytoma; Cowden syndrome 3. Last evaluated: 2019-09-06. Review status: criteria provided, single submitter. Criteria: Invitae Variant Classification Sherloc (09022015). Collection method: clinical testing. Allele origin: germline.
Comment: This sequence change disrupts the translational stop signal of the SDHD mRNA. It is expected to extend the length of the SDHD protein by 3 additional amino acid residues. This variant is not present in population databases (ExAC no frequency). This variant has not been reported in the literature in individuals with SDHD-related conditions. ClinVar contains an entry for this variant (Variation ID: 135199). In summary, the available evidence is currently insufficient to determine the role of this variant in disease. Therefore, it has been classified as a Variant of Uncertain Significance.

ITMI
No classification provided. Condition: AllHighlyPenetrant. Last evaluated: 2013-09-19. Review status: no classification provided. Collection method: reference population. Allele origin: germline. Not counted in ClinVar's aggregate classification.
Comment: Please see associated publication for description of ethnicities

Literature cited by the submitters: PubMed 24728327 (cited by ITMI).

NM_003002.4(SDHD):c.480A>G (p.Ter160Trp)

Gene: SDHD (succinate dehydrogenase complex subunit D; plus strand). Cytogenetic location: 11q23.1.
Variant type: single nucleotide variant.
Coding change: c.480A>G on transcript NM_003002.4 (MANE Select); coding-DNA position 480, A replaced by G.
Protein change: p.Ter160Trp.
Molecular consequence: stop lost. On other transcripts: 3 prime UTR variant (2), non-coding transcript variant (1).
Genome position (GRCh38, 1-based): chr11:112,094,970, A>G. VCF-style: chr11-112094970-A-G. GRCh37 (hg19) VCF-style: chr11-111965694-A-G.
Other names: *160W; *121W; c.*77A>G (NM_001276503.2); c.363A>G, p.Ter121Trp (NM_001276504.2); c.*178A>G (NM_001276506.2); c.480A>G (NM_003002.2).
Identifiers: ClinVar variation 135199 (VCV000135199.13), dbSNP rs587778663, ClinGen allele CA017062.